The following is an entry in ClinVar:

NM_015107.3(PHF8):c.1763G>A (p.Arg588Gln)

Gene: PHF8 (PHD finger protein 8; minus strand). Cytogenetic location: Xp11.22.
Variant type: single nucleotide variant.
Coding change: c.1763G>A on transcript NM_015107.3 (MANE Select); coding-DNA position 1763, G replaced by A.
Protein change: p.Arg588Gln; replaces arginine 588 with glutamine.
Molecular consequence: missense variant.
Genome position (GRCh38, 1-based): chrX:53,987,912, C>T on the plus strand (G>A on the coding strand, the complement: PHF8 is on the minus strand). VCF-style: chrX-53987912-C-T. GRCh37 (hg19) VCF-style: chrX-54014345-C-T.
Other names: c.1763G>A (NM_015107.2); c.1871G>A, p.Arg624Gln (NM_001184896.1); c.1460G>A, p.Arg487Gln (NM_001184897.2); c.1763G>A, p.Arg588Gln (NM_001184898.2); short protein forms R487Q, R588Q, R624Q.
Identifiers: ClinVar variation 2660645 (VCV002660645.25), dbSNP rs782032908, ClinGen allele CA10423410.

ClinVar aggregate classification (germline): Uncertain significance. Review status: criteria provided, multiple submitters, no conflicts (2 of 4 stars). 2 submissions from 2 submitters: Uncertain significance (2). Last evaluated 2023-12-16.

Conditions:
Inborn genetic diseases. Identifiers: MedGen C0950123, MeSH D030342.

Allele frequency attached by ClinVar (database versions not stated): gnomAD exomes below 0.00001; ExAC 0.00002; gnomAD 0.00002.
gnomAD v4.1: 5 of 1,206,640 alleles (0.00041%); highest among the groups gnomAD compares: Admixed American, 0.0066%; no homozygotes.

Submissions (2):

Ambry Genetics
Classification: Uncertain significance for Inborn genetic diseases. Last evaluated: 2023-12-16. Review status: criteria provided, single submitter. Criteria: Ambry Variant Classification Scheme 2023. Collection method: clinical testing. Allele origin: germline.

CeGaT Center for Human Genetics Tuebingen
Classification: Uncertain significance. Last evaluated: 2022-11-01. Review status: criteria provided, single submitter. Criteria: CeGaT Center For Human Genetics Tuebingen Variant Classification Criteria Version 2. Collection method: clinical testing. Allele origin: germline. Affected: yes. Observed: 1 variant allele.
Comment: PHF8: PP2, BP4